The following is an entry in ClinVar:

NM_014795.4(ZEB2):c.2254dup (p.Thr752fs)

Gene: ZEB2 (zinc finger E-box binding homeobox 2; minus strand). Cytogenetic location: 2q22.3.
Variant type: Duplication.
Coding change: c.2254dup on transcript NM_014795.4 (MANE Select); coding-DNA position 2254, one base duplicated (A; older notation c.2254dupA).
Protein change: p.Thr752fs; shifts the reading frame from threonine 752.
Molecular consequence: frameshift variant.
Genome position (GRCh38, 1-based): chr2:144,398,933, T duplicated on the plus strand (A on the coding strand, the reverse complement: ZEB2 is on the minus strand). VCF-style (leftmost placement, unchanged base first): chr2-144398932-G-GT. GRCh37 (hg19) VCF-style: chr2-145156499-G-GT.
Other names: c.2182dup, p.Thr728fs (NM_001171653.2); short protein forms T728fs, T752fs.
Identifiers: ClinVar variation 2687506 (VCV002687506.3), dbSNP rs2549106078, ClinGen allele CA2586970095.
Genomic context (GRCh38, chr2:144,398,932, plus strand): 5'-ACTGGTTTAATATTGGTAAAATGGGAAGGTTTTGTTAGCCTGAGAGGAGGATCACAATTC[G>GT]TAACACTGTTGTGGAGTTCTGCTATAGATGGTGATGTTATGGAGTCCATAGGTTTTACAG-3'

ClinVar aggregate classification (germline): Pathogenic. Review status: criteria provided, multiple submitters, no conflicts (2 of 4 stars). 2 submissions from 2 submitters: Pathogenic (2). Last evaluated 2025-05-08.

Conditions:
Mowat-Wilson syndrome (MOWS). Also called: Classic Mowat-Wilson Syndrome. Identifiers: Orphanet 2152, MedGen C1856113, MONDO:0009341, OMIM 235730.

Submissions (2):

Dasa
Classification: Pathogenic. Last evaluated: 2025-05-08. Review status: criteria provided, single submitter. Criteria: DASA Assertion Criteria. Collection method: clinical testing. Allele origin: germline.
Comment: NM_014795.4(ZEB2):c.2254dup (p.Thr752Asnfs*4) introduces a premature termination codon predicted to result in loss of normal protein function. Loss-of-function is an established mechanism of disease for this gene. This variant has been recurrently observed in individuals with related phenotype (PMID: 29300384; PMID: 16053902; PMID: 24715670). The variant is present at low frequency in population datasets. Based on the available data, this variant is classified as pathogenic.

Medical Genetics Unit, Azienda USL-IRCCS di Reggio Emilia
Classification: Pathogenic for Mowat-Wilson syndrome. Last evaluated: 2023-10-20. Review status: criteria provided, single submitter. Criteria: ACMG Guidelines, 2015. Collection method: clinical testing. Allele origin: de novo. Affected: yes. Observed: 1 variant allele.
Comment: Heterozygous variant associated with Mowat-Wilson syndrome in at least 1 individual. ACMG/AMP criteria PVS1, PS2, PM2, PP4

Literature cited by the submitters: PubMed 29300384 (cited by Dasa and Medical Genetics Unit, Azienda USL-IRCCS di Reggio Emilia); PubMed 16053902 (cited by Dasa); PubMed 24715670 (cited by Dasa).